The following is an entry in ClinVar:

ClinVar aggregate classification (germline): Uncertain significance (1 of 4 stars; one submission).

Allele frequency attached by ClinVar (database versions not stated): gnomAD exomes below 0.00001.
gnomAD v4.1: 2 of 1,611,316 alleles (0.00012%); highest among the groups gnomAD compares: Admixed American, 0.0017%; no homozygotes.

Submission:

GeneDx
Classification: Uncertain significance. Last evaluated: 2023-02-12. Review status: criteria provided, single submitter. Criteria: GeneDx Variant Classification Process June 2021. Collection method: clinical testing. Allele origin: germline. Affected: yes.
Comment: Not observed at significant frequency in large population cohorts (gnomAD); In silico analysis supports that this missense variant does not alter protein structure/function; Has not been previously published as pathogenic or benign to our knowledge

NM_001371928.1(AHDC1):c.524A>G (p.Asn175Ser)

Gene: AHDC1 (AT-hook DNA binding motif containing 1; minus strand). Cytogenetic location: 1p36.11.
Variant type: single nucleotide variant.
Coding change: c.524A>G on transcript NM_001371928.1 (MANE Select); coding-DNA position 524, A replaced by G.
Protein change: p.Asn175Ser; replaces asparagine 175 with serine.
Molecular consequence: missense variant.
Genome position (GRCh38, 1-based): chr1:27,551,592, T>C on the plus strand (A>G on the coding strand, the complement: AHDC1 is on the minus strand). VCF-style: chr1-27551592-T-C. GRCh37 (hg19) VCF-style: chr1-27878103-T-C.
Other names: c.524A>G, p.Asn175Ser (NM_001029882.3); short protein forms N175S.
Identifiers: ClinVar variation 2575652 (VCV002575652.1), dbSNP rs2522085010, ClinGen allele CA339236931.